The following is an entry in ClinVar:

NM_199355.4(ADAMTS18):c.1474G>A (p.Gly492Arg)

Gene: ADAMTS18 (ADAM metallopeptidase with thrombospondin type 1 motif 18; minus strand). Cytogenetic location: 16q23.1.
Variant type: single nucleotide variant.
Coding change: c.1474G>A on transcript NM_199355.4 (MANE Select); coding-DNA position 1474, G replaced by A.
Protein change: p.Gly492Arg; replaces glycine 492 with arginine.
Molecular consequence: missense variant.
Genome position (GRCh38, 1-based): chr16:77,353,873, C>T on the plus strand (G>A on the coding strand, the complement: ADAMTS18 is on the minus strand). VCF-style: chr16-77353873-C-T. GRCh37 (hg19) VCF-style: chr16-77387770-C-T.
Other names: c.958G>A, p.Gly320Arg (NM_001326358.2); short protein forms G492R, G320R.
Identifiers: ClinVar variation 1466968 (VCV001466968.6), dbSNP rs2144714300, ClinGen allele CA396834651.

ClinVar aggregate classification (germline): Uncertain significance (1 of 4 stars; one submission).

Submission:

Labcorp Genetics (formerly Invitae), Labcorp
Classification: Uncertain significance. Last evaluated: 2021-02-03. Review status: criteria provided, single submitter. Criteria: Invitae Variant Classification Sherloc (09022015). Collection method: clinical testing. Allele origin: germline.
Comment: In summary, the available evidence is currently insufficient to determine the role of this variant in disease. Therefore, it has been classified as a Variant of Uncertain Significance. Algorithms developed to predict the effect of missense changes on protein structure and function are either unavailable or do not agree on the potential impact of this missense change (SIFT: "Not Available"; PolyPhen-2: "Benign"; Align-GVGD: "Not Available"). This variant has not been reported in the literature in individuals with ADAMTS18-related conditions. This variant is not present in population databases (ExAC no frequency). This sequence change replaces glycine with arginine at codon 492 of the ADAMTS18 protein (p.Gly492Arg). The glycine residue is moderately conserved and there is a moderate physicochemical difference between glycine and arginine.